The following is an entry in ClinVar:

ClinVar aggregate classification (germline): Uncertain significance. Review status: criteria provided, multiple submitters, no conflicts (2 of 4 stars). 2 submissions from 2 submitters: Uncertain significance (2). Last evaluated 2023-05-25.

Conditions:
Lymphoproliferative syndrome 1 (LPFS1). Identifiers: Orphanet 238505, Orphanet 538963, MedGen C3552634, MONDO:0013081, OMIM 613011.

Allele frequency attached by ClinVar (database versions not stated): ExAC 0.00001; gnomAD 0.00001; TOPMed 0.00001; gnomAD exomes 0.00002 and 0.00003; ESP Exome Variant Server 0.00008.
gnomAD v4.1: 43 of 1,613,820 alleles (0.0027%); highest among the groups gnomAD compares: Non-Finnish European, 0.0034%; no homozygotes.

Submissions (2):

Labcorp Genetics (formerly Invitae), Labcorp
Classification: Uncertain significance for Lymphoproliferative syndrome 1. Last evaluated: 2023-05-25. Review status: criteria provided, single submitter. Criteria: Invitae Variant Classification Sherloc (09022015). Collection method: clinical testing. Allele origin: germline.
Comment: In summary, the available evidence is currently insufficient to determine the role of this variant in disease. Therefore, it has been classified as a Variant of Uncertain Significance. Advanced modeling of protein sequence and biophysical properties (such as structural, functional, and spatial information, amino acid conservation, physicochemical variation, residue mobility, and thermodynamic stability) performed at Invitae indicates that this missense variant is not expected to disrupt ITK protein function. ClinVar contains an entry for this variant (Variation ID: 906196). This variant has not been reported in the literature in individuals affected with ITK-related conditions. This variant is present in population databases (rs370632752, gnomAD 0.007%). This sequence change replaces tyrosine, which is neutral and polar, with histidine, which is basic and polar, at codon 588 of the ITK protein (p.Tyr588His).

Illumina Laboratory Services, Illumina
Classification: Uncertain significance for Lymphoproliferative syndrome 1. Last evaluated: 2017-04-27. Review status: criteria provided, single submitter. Criteria: ICSL Variant Classification Criteria 13 December 2019. Collection method: clinical testing. Allele origin: germline.

NM_005546.4(ITK):c.1762T>C (p.Tyr588His)

Gene: ITK (IL2 inducible T cell kinase; plus strand). Cytogenetic location: 5q33.3.
Variant type: single nucleotide variant.
Coding change: c.1762T>C on transcript NM_005546.4 (MANE Select); coding-DNA position 1762, T replaced by C.
Protein change: p.Tyr588His; replaces tyrosine 588 with histidine.
Molecular consequence: missense variant.
Genome position (GRCh38, 1-based): chr5:157,248,978, T>C. VCF-style: chr5-157248978-T-C. GRCh37 (hg19) VCF-style: chr5-156675988-T-C.
Other names: short protein forms Y588H.
Identifiers: ClinVar variation 906196 (VCV000906196.11), dbSNP rs370632752, ClinGen allele CA3533188.
Genomic context (GRCh38, chr5:157,248,978, plus strand): 5'-GTGGAAGACATCAGTACCGGATTTCGGTTGTACAAGCCCCGGCTGGCCTCCACACACGTC[T>C]ACCAGATTATGAATCACTGCTGGAAAGAGGTCAGTGGAGGAAGTGCTTCCCCATGCATTG-3'
Protein context (NP_005537.3, residues 578-598): YKPRLASTHV[Tyr588His]QIMNHCWKER